The following is an entry in ClinVar:

NM_006019.4(TCIRG1):c.329A>G (p.Asp110Gly)

Gene: TCIRG1 (T cell immune regulator 1, ATPase H+ transporting V0 subunit a3; plus strand). Cytogenetic location: 11q13.2.
Variant type: single nucleotide variant.
Coding change: c.329A>G on transcript NM_006019.4 (MANE Select); coding-DNA position 329, A replaced by G.
Protein change: p.Asp110Gly; replaces aspartic acid 110 with glycine.
Molecular consequence: missense variant. On other transcripts: 5 prime UTR variant (1).
Genome position (GRCh38, 1-based): chr11:68,042,775, A>G. VCF-style: chr11-68042775-A-G. GRCh37 (hg19) VCF-style: chr11-67810242-A-G.
Other names: c.-921A>G (NM_001351059.2); short protein forms D110G.
Identifiers: ClinVar variation 3626053 (VCV003626053.2).

ClinVar aggregate classification (germline): Uncertain significance (1 of 4 stars; one submission).

gnomAD v4.1: 5 of 1,547,792 alleles (0.00032%); highest among the groups gnomAD compares: Admixed American, 0.0059%; no homozygotes.

Submission:

Labcorp Genetics (formerly Invitae), Labcorp
Classification: Uncertain significance. Last evaluated: 2026-01-21. Review status: criteria provided, single submitter. Criteria: Invitae Variant Classification Sherloc (09022015). Collection method: clinical testing. Allele origin: germline.
Comment: This sequence change replaces aspartic acid, which is acidic and polar, with glycine, which is neutral and non-polar, at codon 110 of the TCIRG1 protein (p.Asp110Gly). This variant is present in population databases (rs776027825, gnomAD 0.008%). This variant has not been reported in the literature in individuals affected with TCIRG1-related conditions. ClinVar contains an entry for this variant (Variation ID: 3626053). Invitae Evidence Modeling of protein sequence and biophysical properties (such as structural, functional, and spatial information, amino acid conservation, physicochemical variation, residue mobility, and thermodynamic stability) indicates that this missense variant is not expected to disrupt TCIRG1 protein function with a negative predictive value of 80%. In summary, the available evidence is currently insufficient to determine the role of this variant in disease. Therefore, it has been classified as a Variant of Uncertain Significance.